The following is an entry in ClinVar:

ClinVar aggregate classification (germline): Pathogenic (1 of 4 stars; one submission).

Conditions:
Bardet-Biedl syndrome (BBS). Identifiers: Orphanet 110, MedGen C0752166, MONDO:0015229.

Submission:

Labcorp Genetics (formerly Invitae), Labcorp
Classification: Pathogenic for Bardet-Biedl syndrome. Last evaluated: 2023-09-21. Review status: criteria provided, single submitter. Criteria: Invitae Variant Classification Sherloc (09022015). Collection method: clinical testing. Allele origin: germline.
Comment: This variant is not present in population databases (gnomAD no frequency). For these reasons, this variant has been classified as Pathogenic. This variant disrupts a region of the BBS12 protein in which other variant(s) (p.Ser701*) have been determined to be pathogenic (PMID: 20648243). This suggests that this is a clinically significant region of the protein, and that variants that disrupt it are likely to be disease-causing. This variant has not been reported in the literature in individuals affected with BBS12-related conditions. This sequence change creates a premature translational stop signal (p.Gly416*) in the BBS12 gene. While this is not anticipated to result in nonsense mediated decay, it is expected to disrupt the last 295 amino acid(s) of the BBS12 protein.

Literature cited by the submitters: PubMed 20648243.

NM_152618.3(BBS12):c.1246G>T (p.Gly416Ter)

Gene: BBS12 (Bardet-Biedl syndrome 12; plus strand). Cytogenetic location: 4q27.
Variant type: single nucleotide variant.
Coding change: c.1246G>T on transcript NM_152618.3 (MANE Select); coding-DNA position 1246, G replaced by T.
Protein change: p.Gly416Ter; replaces glycine 416 with a stop codon.
Molecular consequence: nonsense.
Genome position (GRCh38, 1-based): chr4:122,743,138, G>T. VCF-style: chr4-122743138-G-T. GRCh37 (hg19) VCF-style: chr4-123664293-G-T.
Other names: c.1246G>T, p.Gly416Ter (NM_001178007.2); short protein forms G416*.
Identifiers: ClinVar variation 2762263 (VCV002762263.3), dbSNP rs751384954, ClinGen allele CA358224712.